The following is an entry in ClinVar:

NM_005912.3(MC4R):c.29A>G (p.His10Arg)

Gene: MC4R (melanocortin 4 receptor; minus strand). Cytogenetic location: 18q21.32.
Variant type: single nucleotide variant.
Coding change: c.29A>G on transcript NM_005912.3 (MANE Select); coding-DNA position 29, A replaced by G.
Protein change: p.His10Arg; replaces histidine 10 with arginine.
Molecular consequence: missense variant.
Genome position (GRCh38, 1-based): chr18:60,372,321, T>C on the plus strand (A>G on the coding strand, the complement: MC4R is on the minus strand). VCF-style: chr18-60372321-T-C. GRCh37 (hg19) VCF-style: chr18-58039554-T-C.
Other names: short protein forms H10R.
Identifiers: ClinVar variation 5002381 (VCV005002381.1).
Genomic context (GRCh38, chr18:60,372,321, plus strand): 5'-GACTCACTGGCATTGCTGTGCAGTCTGTAACTGCTGCGGTTCCAGAGGTGCAGAGAAGTG[T>C]GCATCCCACGGTGGGTGGAGTTCACCATGCTGGCAGGAGAATTCCAGTGTCCCCCTGAAT-3'
Protein context (NP_005903.2, residues 1-20): MVNSTHRGM[His10Arg]TSLHLWNRSS

ClinVar aggregate classification (germline): Uncertain significance (1 of 4 stars; one submission).

Conditions:
MC4R-related disorder. Also called: MC4R-related condition.

Submission:

PreventionGenetics, part of Exact Sciences
Classification: Uncertain significance for MC4R-related condition. Last evaluated: 2025-12-31. Review status: criteria provided, single submitter. Criteria: ACMG Guidelines, 2015. Collection method: clinical testing. Allele origin: germline.
Comment: The MC4R c.29A>G variant is predicted to result in the amino acid substitution p.His10Arg. To our knowledge, this variant has not been reported in the literature or in a large population database (gnomAD), indicating this variant is rare. At this time, the clinical significance of this variant is uncertain due to the absence of conclusive functional and genetic evidence.